The following is an entry in ClinVar:

NM_194293.4(XIRP1):c.1795G>A (p.Glu599Lys)

Gene: XIRP1 (xin actin binding repeat containing 1; minus strand). Cytogenetic location: 3p22.2.
Variant type: single nucleotide variant.
Coding change: c.1795G>A on transcript NM_194293.4 (MANE Select); coding-DNA position 1795, G replaced by A.
Protein change: p.Glu599Lys; replaces glutamic acid 599 with lysine.
Molecular consequence: missense variant. On other transcripts: intron variant (1).
Genome position (GRCh38, 1-based): chr3:39,187,651, C>T on the plus strand (G>A on the coding strand, the complement: XIRP1 is on the minus strand). VCF-style: chr3-39187651-C-T. GRCh37 (hg19) VCF-style: chr3-39229142-C-T.
Other names: c.1795G>A, p.Glu599Lys (NM_001198621.4); c.-167-1990G>A (NM_001351377.2); short protein forms E599K.
Identifiers: ClinVar variation 778837 (VCV000778837.7), dbSNP rs147045101, ClinGen allele CA2326425.
Genomic context (GRCh38, chr3:39,187,651, plus strand): 5'-CTGTGGGATCTGTGACCTCTGACCCCTGCTTTTCGGCCAACTCACTCATTGGGCAAGTCT[C>T]GAACAACCACCGGATGGTCTGCACATCGCCCTTTGGGGGTGCCTCAGGCTGGGGGTCTCC-3'
Protein context (NP_919269.2, residues 589-609): GDVQTIRWLF[Glu599Lys]TCPMSELAEK

ClinVar aggregate classification (germline): Benign. Review status: criteria provided, multiple submitters, no conflicts (2 of 4 stars). 3 submissions from 3 submitters: Benign (2). 1 of the submissions does not count toward it. Last evaluated 2019-12-31.

Conditions:
XIRP1-related disorder. Also called: XIRP1-related condition.

Allele frequency attached by ClinVar (database versions not stated): ESP Exome Variant Server 0.00031; gnomAD 0.00412 and 0.00415; 1000 Genomes Project 0.00559; ExAC 0.00627; 1000 Genomes Project 30x 0.00656; TOPMed 0.00713.

Submissions (3):

Labcorp Genetics (formerly Invitae), Labcorp
Classification: Benign. Last evaluated: 2019-12-31. Review status: criteria provided, single submitter. Criteria: Invitae Variant Classification Sherloc (09022015). Collection method: clinical testing. Allele origin: germline.

Breakthrough Genomics
Classification: Benign. Review status: criteria provided, single submitter. Criteria: ACMG Guidelines, 2015. Collection method: not provided. Allele origin: germline. Inheritance: Unknown mechanism. Affected: yes.

PreventionGenetics, part of Exact Sciences
Classification: Benign for XIRP1-related condition. Last evaluated: 2019-03-22. Review status: no assertion criteria provided. Collection method: clinical testing. Allele origin: germline. Not counted in ClinVar's aggregate classification.
Comment: This variant is classified as benign based on ACMG/AMP sequence variant interpretation guidelines (Richards et al. 2015 PMID: 25741868, with internal and published modifications).